The following is an entry in ClinVar:

ClinVar aggregate classification (germline): Benign/Likely benign. Review status: criteria provided, multiple submitters, no conflicts (2 of 4 stars). 9 submissions from 9 submitters: Benign (3); Likely benign (4). 2 of the submissions do not count toward it. Last evaluated 2026-02-01.

Conditions:
Nemaline myopathy 2 (NEM2). Also called: Nemaline myopathy 2, autosomal recessive. Identifiers: MedGen C1850569, MONDO:0009725, OMIM 256030.
NEB-related disorder. Also called: NEB-related condition; NEB-Related Disorders.

Allele frequency attached by ClinVar (database versions not stated): ESP Exome Variant Server 0.00249; 1000 Genomes Project 0.00280; gnomAD 0.00308 and 0.00333; 1000 Genomes Project 30x 0.00344; TOPMed 0.00354.

Submissions (9):

CeGaT Center for Human Genetics Tuebingen
Classification: Likely benign. Last evaluated: 2026-02-01. Review status: criteria provided, single submitter. Criteria: CeGaT Center For Human Genetics Tuebingen Variant Classification Criteria Version 2. Collection method: clinical testing. Allele origin: germline. Affected: yes. Observed: 1 variant allele.
Comment: NEB: BP4, BP7, BS1

Labcorp Genetics (formerly Invitae), Labcorp
Classification: Benign for Nemaline myopathy 2. Last evaluated: 2026-01-28. Review status: criteria provided, single submitter. Criteria: Invitae Variant Classification Sherloc (09022015). Collection method: clinical testing. Allele origin: germline.

Blueprint Genetics
Classification: Likely benign. Last evaluated: 2024-09-23. Review status: criteria provided, single submitter. Criteria: ACMG Guidelines, 2015. Collection method: clinical testing. Allele origin: germline.

GeneDx
Classification: Likely benign. Last evaluated: 2020-01-23. Review status: criteria provided, single submitter. Criteria: GeneDx Variant Classification Process June 2021. Collection method: clinical testing. Allele origin: germline. Affected: yes.

Athena Diagnostics
Classification: Benign. Last evaluated: 2018-05-01. Review status: criteria provided, single submitter. Criteria: Athena Diagnostics Criteria. Collection method: clinical testing. Allele origin: germline.

Illumina Laboratory Services, Illumina
Classification: Likely benign for Nemaline myopathy 2. Last evaluated: 2018-01-13. Review status: criteria provided, single submitter. Criteria: ICSL Variant Classification Criteria 13 December 2019. Collection method: clinical testing. Allele origin: germline.
Comment: This variant was observed in the ICSL laboratory as part of a predisposition screen in an ostensibly healthy population. It had not been previously curated by ICSL or reported in the Human Gene Mutation Database (HGMD: prior to June 1st, 2018), and was therefore a candidate for classification through an automated scoring system. Utilizing variant allele frequency, disease prevalence and penetrance estimates, and inheritance mode, an automated score was calculated to assess if this variant is too frequent to cause the disease. Based on the score and internal cut-off values, a variant classified as likely benign is not then subjected to further curation. The score for this variant resulted in a classification of likely benign for this disease.

Eurofins Ntd Llc (ga)
Classification: Benign. Last evaluated: 2016-11-29. Review status: criteria provided, single submitter. Criteria: EGL Classification Definitions 2015. Collection method: clinical testing. Allele origin: germline. Observed: 1 variant allele, 1 heterozygote.

PreventionGenetics, part of Exact Sciences
Classification: Benign for NEB-related condition. Last evaluated: 2020-05-20. Review status: no assertion criteria provided. Collection method: clinical testing. Allele origin: germline. Not counted in ClinVar's aggregate classification.
Comment: This variant is classified as benign based on ACMG/AMP sequence variant interpretation guidelines (Richards et al. 2015 PMID: 25741868, with internal and published modifications).

Natera, Inc.
Classification: Likely benign for Nemaline myopathy type 2. Last evaluated: 2019-11-11. Review status: no assertion criteria provided. Collection method: clinical testing. Allele origin: germline. Not counted in ClinVar's aggregate classification.

NM_001164508.2(NEB):c.3636C>T (p.Asp1212=)

Gene: NEB (nebulin; minus strand). Cytogenetic location: 2q23.3.
Variant type: single nucleotide variant.
Coding change: c.3636C>T on transcript NM_001164508.2 (MANE Select); coding-DNA position 3636, C replaced by T.
Protein change: p.Asp1212=; no amino-acid change (aspartic acid 1212 retained).
Molecular consequence: synonymous variant.
Genome position (GRCh38, 1-based): chr2:151,677,703, G>A on the plus strand (C>T on the coding strand, the complement: NEB is on the minus strand). VCF-style: chr2-151677703-G-A. GRCh37 (hg19) VCF-style: chr2-152534217-G-A.
Other names: c.3636C>T, p.Asp1212= (NM_001164507.2, NM_001271208.2, NM_004543.5).
Identifiers: ClinVar variation 331517 (VCV000331517.31), dbSNP rs144376972, ClinGen allele CA1910860.
Genomic context (GRCh38, chr2:151,677,703, plus strand): 5'-TGGATGTTGCCTGTACTTCTTTTCATTCAGAGCATCACCGGCCTTTTTAACTTTTTCGAC[G>A]TCGAGACTGCCAATAGGAATCCAGCCAATGCCTTTCATCCAGTTGTTGTAGTCTTCCTTG-3'
Protein context (NP_001157980.2, residues 1202-1222): GIGWIPIGSL[Asp1212=]VEKVKKAGDA